The following is an entry in ClinVar:

ClinVar aggregate classification (germline): Pathogenic/Likely pathogenic. Review status: criteria provided, multiple submitters, no conflicts (2 of 4 stars). 2 submissions from 2 submitters: Pathogenic (1); Likely pathogenic (1). Last evaluated 2023-09-02.

Conditions:
Retinitis pigmentosa 28 (RP28). Identifiers: Orphanet 791, MedGen C1419614, MONDO:0011630, OMIM 606068.

Submissions (2):

Baylor Genetics
Classification: Likely pathogenic for Retinitis pigmentosa 28. Last evaluated: 2023-09-02. Review status: criteria provided, single submitter. Criteria: ACMG Guidelines, 2015. Collection method: clinical testing. Allele origin: unknown.

Labcorp Genetics (formerly Invitae), Labcorp
Classification: Pathogenic. Last evaluated: 2022-02-05. Review status: criteria provided, single submitter. Criteria: Invitae Variant Classification Sherloc (09022015). Collection method: clinical testing. Allele origin: germline.
Comment: For these reasons, this variant has been classified as Pathogenic. This variant has not been reported in the literature in individuals affected with FAM161A-related conditions. This variant is not present in population databases (gnomAD no frequency). This sequence change creates a premature translational stop signal (p.Leu123*) in the FAM161A gene. It is expected to result in an absent or disrupted protein product. Loss-of-function variants in FAM161A are known to be pathogenic (PMID: 20705278, 20705279, 24651477).

Literature cited by the submitters: PubMed 20705278 (cited by Labcorp Genetics (formerly Invitae), Labcorp); PubMed 20705279 (cited by Labcorp Genetics (formerly Invitae), Labcorp); PubMed 24651477 (cited by Labcorp Genetics (formerly Invitae), Labcorp).

NM_001201543.2(FAM161A):c.368del (p.His122_Leu123insTer)

Gene: FAM161A (FAM161 centrosomal protein A; minus strand). Cytogenetic location: 2p15.
Variant type: Deletion.
Coding change: c.368del on transcript NM_001201543.2 (MANE Select); coding-DNA position 368, one base deleted (T; older notation c.368delT).
Protein change: p.His122_Leu123insTer.
Molecular consequence: nonsense. On other transcripts: non-coding transcript variant (1).
Genome position (GRCh38, 1-based): chr2:61,842,176, A deleted on the plus strand (T on the coding strand, the reverse complement: FAM161A is on the minus strand); the first of 3 consecutive A bases (chr2:61,842,176-61,842,178); deleting any one gives the same sequence. VCF-style (leftmost placement, unchanged base first): chr2-61842175-TA-T. GRCh37 (hg19) VCF-style: chr2-62069310-TA-T.
Other names: c.368del, p.His122_Leu123insTer (NM_032180.3); c.368del (NM_001201543.1).
Identifiers: ClinVar variation 1443212 (VCV001443212.7), dbSNP rs2105086630, ClinGen allele CA2573135011.